The following is an entry in ClinVar:

ClinVar aggregate classification (germline): Likely benign. Review status: criteria provided, multiple submitters, no conflicts (2 of 4 stars). 4 submissions from 4 submitters: Likely benign (4). Last evaluated 2024-12-09.

Conditions:
Hereditary breast ovarian cancer syndrome. Also called: Hereditary breast and ovarian cancer; Hereditary breast and ovarian cancer syndrome (HBOC); Breast and ovarian cancer; Hereditary breast and ovarian cancer syndrome; BRCA1- and BRCA2-Associated Hereditary Breast and Ovarian Cancer; Hereditary breast and/or ovarian cancer syndrome. Identifiers: Orphanet 145, MedGen C0677776, MeSH D061325, MONDO:0003582. Disease mechanism: loss of function.
Hereditary cancer-predisposing syndrome. Also called: Tumor predisposition; Neoplastic Syndromes, Hereditary; Hereditary neoplastic syndrome; Hereditary Cancer Syndrome. Identifiers: Orphanet 140162, MedGen C0027672, MeSH D009386, MONDO:0015356.
BRCA2-related cancer predisposition. Identifiers: MedGen CN377758, MONDO:0700269.

Submissions (4):

Ambry Genetics
Classification: Likely benign for Hereditary cancer-predisposing syndrome. Last evaluated: 2024-12-09. Review status: criteria provided, single submitter. Criteria: Ambry Variant Classification Scheme 2023. Collection method: clinical testing. Allele origin: germline.

All of Us Research Program, National Institutes of Health
Classification: Likely benign for BRCA2-related cancer predisposition. Last evaluated: 2024-04-16. Review status: criteria provided, single submitter. Criteria: ACMG Guidelines, 2015. Collection method: clinical testing. Allele origin: germline. Inheritance: Autosomal dominant inheritance. Observed: 1 variant allele, 1 heterozygote.
Comment: This study involves interpretation of variants in research participants for the purpose of population health screening. Participant phenotype was not available at the time of variant classification. Additional details can be found in publication PMID: 35346344, PMCID: PMC8962531

Labcorp Genetics (formerly Invitae), Labcorp
Classification: Likely benign for Hereditary breast ovarian cancer syndrome. Last evaluated: 2021-04-11. Review status: criteria provided, single submitter. Criteria: Invitae Variant Classification Sherloc (09022015). Collection method: clinical testing. Allele origin: germline.

Color Diagnostics, LLC DBA Color Health
Classification: Likely benign for Hereditary cancer-predisposing syndrome. Last evaluated: 2017-12-08. Review status: criteria provided, single submitter. Criteria: ACMG Guidelines, 2015. Collection method: clinical testing. Allele origin: germline.

NM_000059.4(BRCA2):c.8208C>A (p.Leu2736=)

Gene: BRCA2 (BRCA2 DNA repair associated; plus strand). Cytogenetic location: 13q13.1.
Variant type: single nucleotide variant.
Coding change: c.8208C>A on transcript NM_000059.4 (MANE Select); coding-DNA position 8208, C replaced by A.
Protein change: p.Leu2736=; no amino-acid change (leucine 2736 retained).
Molecular consequence: synonymous variant.
Genome position (GRCh38, 1-based): chr13:32,363,410, C>A. VCF-style: chr13-32363410-C-A. GRCh37 (hg19) VCF-style: chr13-32937547-C-A.
Identifiers: ClinVar variation 631006 (VCV000631006.15), dbSNP rs1566245706, ClinGen allele CA483439627.